The following is an entry in ClinVar:

ClinVar aggregate classification (germline): Pathogenic (1 of 4 stars; one submission).

Conditions:
Nemaline myopathy 2 (NEM2). Also called: Nemaline myopathy 2, autosomal recessive. Identifiers: MedGen C1850569, MONDO:0009725, OMIM 256030.

Submission:

Labcorp Genetics (formerly Invitae), Labcorp
Classification: Pathogenic for Nemaline myopathy 2. Last evaluated: 2022-10-04. Review status: criteria provided, single submitter. Criteria: Invitae Variant Classification Sherloc (09022015). Collection method: clinical testing. Allele origin: germline.
Comment: For these reasons, this variant has been classified as Pathogenic. ClinVar contains an entry for this variant (Variation ID: 840725). This variant has not been reported in the literature in individuals affected with NEB-related conditions. The frequency data for this variant in the population databases (gnomAD) is considered unreliable due to the presence of homologous sequence, such as pseudogenes or paralogs, in the genome. This sequence change creates a premature translational stop signal (p.Lys4513*) in the NEB gene. It is expected to result in an absent or disrupted protein product. Loss-of-function variants in NEB are known to be pathogenic (PMID: 25205138). This variant occurs in a region of NEB (Exons 82-105) consisting of three highly homologous 8-exon repeat units (exons 82-89, exons 90-97, exons 98-105). Sequence variants in this region can be detected, but this assay cannot determine which of the three repeat units is affected, and zygosity is often ambiguous. All variants in this region are reported relative to the exon 82-89 repeat.

Literature cited by the submitters: PubMed 25205138.

NM_001164508.2(NEB):c.13537A>T (p.Lys4513Ter)

Gene: NEB (nebulin; minus strand). Cytogenetic location: 2q23.3.
Variant type: single nucleotide variant.
Coding change: c.13537A>T on transcript NM_001164508.2 (MANE Select); coding-DNA position 13537, A replaced by T.
Protein change: p.Lys4513Ter; replaces lysine 4513 with a stop codon.
Molecular consequence: nonsense. On other transcripts: intron variant (1).
Genome position (GRCh38, 1-based): chr2:151,600,693, T>A on the plus strand (A>T on the coding strand, the complement: NEB is on the minus strand). VCF-style: chr2-151600693-T-A. GRCh37 (hg19) VCF-style: chr2-152457207-T-A.
Other names: c.13537A>T, p.Lys4513Ter (NM_001164507.2, NM_001271208.2); c.11601+9116A>T (NM_004543.5); short protein forms K4513*.
Identifiers: ClinVar variation 840725 (VCV000840725.9), dbSNP rs2097452910, ClinGen allele CA348769035.